The following is an entry in ClinVar:

NM_000214.3(JAG1):c.307G>A (p.Gly103Arg)

Gene: JAG1 (jagged canonical Notch ligand 1; minus strand). Cytogenetic location: 20p12.2.
Variant type: single nucleotide variant.
Coding change: c.307G>A on transcript NM_000214.3 (MANE Select); coding-DNA position 307, G replaced by A.
Protein change: p.Gly103Arg; replaces glycine 103 with arginine.
Molecular consequence: missense variant.
Genome position (GRCh38, 1-based): chr20:10,672,781, C>T on the plus strand (G>A on the coding strand, the complement: JAG1 is on the minus strand). VCF-style: chr20-10672781-C-T. GRCh37 (hg19) VCF-style: chr20-10653429-C-T.
Other names: short protein forms G103R.
Identifiers: ClinVar variation 1513216 (VCV001513216.6), dbSNP rs749591256, ClinGen allele CA408242731.

ClinVar aggregate classification (germline): Uncertain significance (1 of 4 stars; one submission).

Conditions:
Alagille syndrome due to a JAG1 point mutation. Also called: HEPATIC DUCTULAR HYPOPLASIA, SYNDROMATIC; JAG1-Related Alagille Syndrome; Alagille Syndrome 1. Identifiers: Orphanet 261619, Orphanet 52, MedGen C1956125, MONDO:0016862, OMIM 118450.

gnomAD v4.1: 1 of 1,613,138 alleles (0.000062%); highest among the groups gnomAD compares: South Asian, 0.0011%; no homozygotes.

Submission:

Labcorp Genetics (formerly Invitae), Labcorp
Classification: Uncertain significance for Alagille syndrome due to a JAG1 point mutation. Last evaluated: 2024-04-15. Review status: criteria provided, single submitter. Criteria: Invitae Variant Classification Sherloc (09022015). Collection method: clinical testing. Allele origin: germline.
Comment: This sequence change replaces glycine, which is neutral and non-polar, with arginine, which is basic and polar, at codon 103 of the JAG1 protein (p.Gly103Arg). This variant is not present in population databases (gnomAD no frequency). This variant has not been reported in the literature in individuals affected with JAG1-related conditions. ClinVar contains an entry for this variant (Variation ID: 1513216). Advanced modeling of protein sequence and biophysical properties (such as structural, functional, and spatial information, amino acid conservation, physicochemical variation, residue mobility, and thermodynamic stability) performed at Invitae indicates that this missense variant is expected to disrupt JAG1 protein function with a positive predictive value of 80%. In summary, the available evidence is currently insufficient to determine the role of this variant in disease. Therefore, it has been classified as a Variant of Uncertain Significance.